The following is an entry in ClinVar:

NM_001375524.1(TRRAP):c.5548G>A (p.Ala1850Thr)

Gene: TRRAP (transformation/transcription domain associated protein; plus strand). Cytogenetic location: 7q22.1.
Variant type: single nucleotide variant.
Coding change: c.5548G>A on transcript NM_001375524.1 (MANE Select); coding-DNA position 5548, G replaced by A.
Protein change: p.Ala1850Thr; replaces alanine 1850 with threonine.
Molecular consequence: missense variant.
Genome position (GRCh38, 1-based): chr7:98,953,251, G>A. VCF-style: chr7-98953251-G-A. GRCh37 (hg19) VCF-style: chr7-98550874-G-A.
Other names: c.5527G>A, p.Ala1843Thr (NM_001244580.2); c.5473G>A, p.Ala1825Thr (NM_003496.4); short protein forms A1825T, A1843T, A1850T.
Identifiers: ClinVar variation 4056048 (VCV004056048.1).
Genomic context (GRCh38, chr7:98,953,251, plus strand): 5'-GACATGCTGGACTCGCTGCGGATCTACCTGCTGCAGTACGCCACGCTGCTGGTGGAGCAC[G>A]CCCCCCACCACATCCATGACAACAACAAGAACCGCAACAGCAAGCTGCGCCGCCTCATGA-3'
Protein context (NP_001362453.1, residues 1840-1860): LQYATLLVEH[Ala1850Thr]PHHIHDNNKN

ClinVar aggregate classification (germline): Uncertain significance (1 of 4 stars; one submission).

gnomAD v4.1: 9 of 1,613,336 alleles (0.00056%); highest among the groups gnomAD compares: Admixed American, 0.0033%; no homozygotes.

Submission:

GeneDx
Classification: Uncertain significance. Last evaluated: 2025-01-06. Review status: criteria provided, single submitter. Criteria: GeneDx Variant Classification Process June 2021. Collection method: clinical testing. Allele origin: germline. Affected: yes.
Comment: Has not been previously published as pathogenic or benign to our knowledge; In silico analysis supports that this missense variant has a deleterious effect on protein structure/function